The following is an entry in ClinVar:

NM_001376.5(DYNC1H1):c.8771G>A (p.Arg2924Lys)

Gene: DYNC1H1 (dynein cytoplasmic 1 heavy chain 1; plus strand). Cytogenetic location: 14q32.31.
Variant type: single nucleotide variant.
Coding change: c.8771G>A on transcript NM_001376.5 (MANE Select); coding-DNA position 8771, G replaced by A.
Protein change: p.Arg2924Lys; replaces arginine 2924 with lysine.
Molecular consequence: missense variant.
Genome position (GRCh38, 1-based): chr14:102,026,707, G>A. VCF-style: chr14-102026707-G-A. GRCh37 (hg19) VCF-style: chr14-102493044-G-A.
Other names: short protein forms R2924K.
Identifiers: ClinVar variation 1497609 (VCV001497609.6), dbSNP rs2152588723, ClinGen allele CA391009444.

ClinVar aggregate classification (germline): Uncertain significance (1 of 4 stars; one submission).

Conditions:
Charcot-Marie-Tooth disease axonal type 2O. Also called: Charcot-Marie-Tooth disease, axonal, type 20; Charcot-Marie-Tooth Neuropathy Type 2O; CHARCOT-MARIE-TOOTH NEUROPATHY, AXONAL, TYPE 2O; CHARCOT-MARIE-TOOTH DISEASE, AXONAL, AUTOSOMAL DOMINANT, TYPE 2O. Identifiers: Orphanet 284232, MedGen C3280220, MONDO:0013644, OMIM 614228.

Submission:

Labcorp Genetics (formerly Invitae), Labcorp
Classification: Uncertain significance for Charcot-Marie-Tooth disease axonal type 2O. Last evaluated: 2025-08-21. Review status: criteria provided, single submitter. Criteria: Invitae Variant Classification Sherloc (09022015). Collection method: clinical testing. Allele origin: germline.
Comment: This sequence change replaces arginine, which is basic and polar, with lysine, which is basic and polar, at codon 2924 of the DYNC1H1 protein (p.Arg2924Lys). This variant also falls at the last nucleotide of exon 44, which is part of the consensus splice site for this exon. This variant is not present in population databases (gnomAD no frequency). This variant has not been reported in the literature in individuals affected with DYNC1H1-related conditions. ClinVar contains an entry for this variant (Variation ID: 1497609). An algorithm developed to predict the effect of missense changes on protein structure and function (PolyPhen-2) suggests that this variant is likely to be disruptive. Variants that disrupt the consensus splice site are a relatively common cause of aberrant splicing (PMID: 17576681, 9536098). Algorithms developed to predict the effect of sequence changes on RNA splicing suggest that this variant may disrupt the consensus splice site. In summary, the available evidence is currently insufficient to determine the role of this variant in disease. Therefore, it has been classified as a Variant of Uncertain Significance.

Literature cited by the submitters: PubMed 17576681; PubMed 9536098.